The following is an entry in ClinVar:

ClinVar aggregate classification (germline): Likely benign. Review status: criteria provided, multiple submitters, no conflicts (2 of 4 stars). 7 submissions from 7 submitters: Likely benign (5). 2 of the submissions do not count toward it. Last evaluated 2026-01-28.

Conditions:
Dilated cardiomyopathy 1DD (CMD1DD). Identifiers: Orphanet 154, MedGen C2750995, MONDO:0013168, OMIM 613172.
Cardiovascular phenotype. Identifiers: MedGen CN230736.

Allele frequency attached by ClinVar (database versions not stated): gnomAD 0.00006 and 0.00011; TOPMed 0.00009; gnomAD exomes 0.00012; ExAC 0.00025; 1000 Genomes Project 30x 0.00031; 1000 Genomes Project 0.00040.
gnomAD v4.1: 137 of 1,551,624 alleles (0.0088%); highest among the groups gnomAD compares: South Asian, 0.076%; no homozygotes.

Submissions (7):

Labcorp Genetics (formerly Invitae), Labcorp
Classification: Likely benign for Dilated cardiomyopathy 1DD. Last evaluated: 2026-01-28. Review status: criteria provided, single submitter. Criteria: Invitae Variant Classification Sherloc (09022015). Collection method: clinical testing. Allele origin: germline.

Blueprint Genetics
Classification: Likely benign. Last evaluated: 2024-11-14. Review status: criteria provided, single submitter. Criteria: ACMG Guidelines, 2015. Collection method: clinical testing. Allele origin: germline.

Fulgent Genetics
Classification: Likely benign for Dilated cardiomyopathy 1DD. Last evaluated: 2021-09-01. Review status: criteria provided, single submitter. Criteria: ACMG Guidelines, 2015. Collection method: clinical testing. Allele origin: unknown.

Ambry Genetics
Classification: Likely benign for Cardiovascular phenotype. Last evaluated: 2021-02-26. Review status: criteria provided, single submitter. Criteria: Ambry Variant Classification Scheme 2023. Collection method: clinical testing. Allele origin: germline.

Laboratory for Molecular Medicine, Mass General Brigham Personalized Medicine
Classification: Likely benign. Last evaluated: 2014-01-31. Review status: criteria provided, single submitter. Criteria: LMM Criteria. Collection method: clinical testing. Allele origin: germline. Observed: 1 variant allele.
Comment: Ser258Ser in exon 2 of RBM20: This variant has not been previously reported in i ndividuals with cardiomyopathy or in large population studies. It is not expect ed to have clinical significance because it does not alter an amino acid residue and is not located within the splice consensus sequence. Ser258Ser in exon2 of RBM20 (allele frequency = n/a)

Clinical Genetics, Academic Medical Center
Classification: Benign. Review status: no assertion criteria provided. Collection method: clinical testing. Allele origin: germline. Affected: yes. Study: VKGL Data-share Consensus. Not counted in ClinVar's aggregate classification.

Joint Genome Diagnostic Labs from Nijmegen and Maastricht, Radboudumc and MUMC+
Classification: Likely benign. Review status: no assertion criteria provided. Collection method: clinical testing. Allele origin: germline. Affected: yes. Study: VKGL Data-share Consensus. Not counted in ClinVar's aggregate classification.

NM_001134363.3(RBM20):c.774G>A (p.Ser258=)

Gene: RBM20 (RNA binding motif protein 20; plus strand). Cytogenetic location: 10q25.2.
Variant type: single nucleotide variant.
Coding change: c.774G>A on transcript NM_001134363.3 (MANE Select); coding-DNA position 774, G replaced by A.
Protein change: p.Ser258=; no amino-acid change (serine 258 retained).
Molecular consequence: synonymous variant.
Genome position (GRCh38, 1-based): chr10:110,781,383, G>A. VCF-style: chr10-110781383-G-A. GRCh37 (hg19) VCF-style: chr10-112541141-G-A.
Identifiers: ClinVar variation 179494 (VCV000179494.24), dbSNP rs569846404, ClinGen allele CA184536.